The following is an entry in ClinVar:

ClinVar aggregate classification (germline): Uncertain significance. Review status: criteria provided, multiple submitters, no conflicts (2 of 4 stars). 5 submissions from 5 submitters: Uncertain significance (5). Last evaluated 2025-12-30.

Conditions:
Hereditary cancer-predisposing syndrome. Also called: Neoplastic Syndromes, Hereditary; Hereditary neoplastic syndrome; Hereditary Cancer Syndrome; Tumor predisposition. Identifiers: Orphanet 140162, MedGen C0027672, MeSH D009386, MONDO:0015356.
Gastrointestinal stromal tumor. Also called: Gastrointestinal stromal tumor, somatic; Gastrointestinal stroma tumor. Identifiers: Orphanet 44890, MedGen C0238198, MeSH D046152, MONDO:0011719, OMIM 606764, HP:0100723.

Allele frequency attached by ClinVar (database versions not stated): gnomAD exomes below 0.00001 and 0.00001; ExAC 0.00001; gnomAD 0.00001; TOPMed 0.00003.
gnomAD v4.1: 25 of 1,613,982 alleles (0.0015%); highest among the groups gnomAD compares: Middle Eastern, 0.016%; no homozygotes.

Submissions (5):

Labcorp Genetics (formerly Invitae), Labcorp
Classification: Uncertain significance for Gastrointestinal stromal tumor. Last evaluated: 2025-12-30. Review status: criteria provided, single submitter. Criteria: Invitae Variant Classification Sherloc (09022015). Collection method: clinical testing. Allele origin: germline.
Comment: This sequence change replaces proline, which is neutral and non-polar, with leucine, which is neutral and non-polar, at codon 874 of the KIT protein (p.Pro874Leu). This variant is present in population databases (rs753419764, gnomAD no frequency). This variant has not been reported in the literature in individuals affected with KIT-related conditions. ClinVar contains an entry for this variant (Variation ID: 237266). An algorithm developed to predict the effect of missense changes on protein structure and function (PolyPhen-2) suggests that this variant is likely to be disruptive. In summary, the available evidence is currently insufficient to determine the role of this variant in disease. Therefore, it has been classified as a Variant of Uncertain Significance.

Ambry Genetics
Classification: Uncertain significance for Hereditary cancer-predisposing syndrome. Last evaluated: 2025-08-26. Review status: criteria provided, single submitter. Criteria: Ambry Variant Classification Scheme 2023. Collection method: clinical testing. Allele origin: germline.
Comment: The p.P874L variant (also known as c.2621C>T), located in coding exon 19 of the KIT gene, results from a C to T substitution at nucleotide position 2621. The proline at codon 874 is replaced by leucine, an amino acid with similar properties. This amino acid position is well conserved in available vertebrate species. In addition, the in silico prediction for this alteration is inconclusive. Since supporting evidence is limited at this time, the clinical significance of this alteration remains unclear.

GeneDx
Classification: Uncertain significance. Last evaluated: 2024-10-03. Review status: criteria provided, single submitter. Criteria: GeneDx Variant Classification Process June 2021. Collection method: clinical testing. Allele origin: germline. Affected: yes.
Comment: Not observed at significant frequency in large population cohorts (gnomAD); In silico analysis supports that this missense variant has a deleterious effect on protein structure/function; Has not been previously published as pathogenic or benign to our knowledge

Baylor Genetics
Classification: Uncertain significance for Gastrointestinal stromal tumor. Last evaluated: 2023-10-05. Review status: criteria provided, single submitter. Criteria: ACMG Guidelines, 2015. Collection method: clinical testing. Allele origin: unknown.

St. Jude Molecular Pathology, St. Jude Children's Research Hospital
Classification: Uncertain significance for Gastrointestinal stromal tumor. Last evaluated: 2022-01-03. Review status: criteria provided, single submitter. Criteria: St. Jude Assertion Criteria 2020. Collection method: clinical testing. Allele origin: germline.
Comment: The KIT c.2621C>T (p.Pro874Leu) missense change has a maximum subpopulation frequency of 0.016% in gnomAD v2.1.1. The in silico tool REVEL is inconclusive about a pathogenic or benign effect of this variant on protein function, and to our knowledge functional studies have not been performed. To our knowledge, this variant has not been reported in individuals with KIT-related gastrointestinal stromal tumor. In summary, the evidence currently available is insufficient to determine the clinical significance of this variant. It has therefore been classified as of uncertain significance.

NM_000222.3(KIT):c.2621C>T (p.Pro874Leu)

Gene: KIT (KIT proto-oncogene, receptor tyrosine kinase; plus strand). Cytogenetic location: 4q12.
Variant type: single nucleotide variant.
Coding change: c.2621C>T on transcript NM_000222.3 (MANE Select); coding-DNA position 2621, C replaced by T.
Protein change: p.Pro874Leu; replaces proline 874 with leucine.
Molecular consequence: missense variant.
Genome position (GRCh38, 1-based): chr4:54,736,745, C>T. VCF-style: chr4-54736745-C-T. GRCh37 (hg19) VCF-style: chr4-55602911-C-T.
Other names: c.2609C>T, p.Pro870Leu (NM_001093772.2, NM_001385292.1); c.2624C>T, p.Pro875Leu (NM_001385284.1); c.2618C>T, p.Pro873Leu (NM_001385285.1); c.2606C>T, p.Pro869Leu (NM_001385286.1); c.2612C>T, p.Pro871Leu (NM_001385288.1); c.2621C>T, p.Pro874Leu (NM_001385290.1); short protein forms P874L, P870L, P869L, P871L, P873L, P875L.
Identifiers: ClinVar variation 237266 (VCV000237266.19), dbSNP rs753419764, ClinGen allele CA2923813.